The following is an entry in ClinVar:

ClinVar aggregate classification (germline): Uncertain significance (1 of 4 stars; one submission).

gnomAD v4.1: 3 of 1,524,716 alleles (0.0002%); highest among the groups gnomAD compares: East Asian, 0.0026%; no homozygotes.

Submission:

Ambry Genetics
Classification: Uncertain significance. Last evaluated: 2023-09-15. Review status: criteria provided, single submitter. Criteria: Ambry Variant Classification Scheme 2023. Collection method: clinical testing. Allele origin: germline.
Comment: The p.Q59R variant (also known as c.176A>G), located in coding exon 1 of the EGLN1 gene, results from an A to G substitution at nucleotide position 176. The glutamine at codon 59 is replaced by arginine, an amino acid with highly similar properties. This amino acid position is conserved. In addition, this alteration is predicted to be tolerated by in silico analysis. Since supporting evidence is limited at this time, the clinical significance of this alteration remains unclear.

NM_022051.3(EGLN1):c.176A>G (p.Gln59Arg)

Gene: EGLN1 (egl-9 family hypoxia inducible factor 1; minus strand). Cytogenetic location: 1q42.2.
Variant type: single nucleotide variant.
Coding change: c.176A>G on transcript NM_022051.3 (MANE Select); coding-DNA position 176, A replaced by G.
Protein change: p.Gln59Arg; replaces glutamine 59 with arginine.
Molecular consequence: missense variant.
Genome position (GRCh38, 1-based): chr1:231,421,713, T>C on the plus strand (A>G on the coding strand, the complement: EGLN1 is on the minus strand). VCF-style: chr1-231421713-T-C. GRCh37 (hg19) VCF-style: chr1-231557459-T-C.
Other names: c.176A>G, p.Gln59Arg (NM_001377260.1, NM_001377261.1); short protein forms Q59R.
Identifiers: ClinVar variation 3227696 (VCV003227696.1), dbSNP rs1271954633, ClinGen allele CA345238776.
Genomic context (GRCh38, chr1:231,421,713, plus strand): 5'-GGCGCGGGGCCGGAATGCTGGTGTGGGCCCACTCCGTGGCCGAGGGCGCCCTCGCTGCCC[T>C]GGCACACGAGCTTGTGCTTCTTCCAGTCCTGACGCTGGTGCTCCTTGCAGCAGTAGAAGG-3'
Protein context (NP_071334.1, residues 49-69): QDWKKHKLVC[Gln59Arg]GSEGALGHGV